The following is an entry in ClinVar:

ClinVar aggregate classification (germline): Conflicting classifications of pathogenicity. Review status: criteria provided, conflicting classifications (1 of 4 stars). 4 submissions from 4 submitters: Uncertain significance (1); Likely benign (2). 1 of the submissions does not count toward it. Last evaluated 2026-02-02.

Conditions:
Bethlem myopathy 1A. Also called: MYOPATHY, BENIGN CONGENITAL, WITH CONTRACTURES; Bethlem myopathy 1; Bethlem Muscular Dystrophy. Identifiers: Orphanet 610, MedGen CN029274, MONDO:0024530, OMIM 158810.
COL6A1-related disorder. Also called: COL6A1-related condition.

Allele frequency attached by ClinVar (database versions not stated): 1000 Genomes Project 0.00020; ESP Exome Variant Server 0.00023; TOPMed 0.00025; 1000 Genomes Project 30x 0.00031.
gnomAD v4.1: 131 of 1,612,046 alleles (0.0081%); highest among the groups gnomAD compares: African/African-American, 0.087%; no homozygotes.

Submissions (4):

Labcorp Genetics (formerly Invitae), Labcorp
Classification: Likely benign for Bethlem myopathy 1A. Last evaluated: 2026-02-02. Review status: criteria provided, single submitter. Criteria: Invitae Variant Classification Sherloc (09022015). Collection method: clinical testing. Allele origin: germline.

CeGaT Center for Human Genetics Tuebingen
Classification: Likely benign. Last evaluated: 2021-09-01. Review status: criteria provided, single submitter. Criteria: CeGaT Center For Human Genetics Tuebingen Variant Classification Criteria Version 2. Collection method: clinical testing. Allele origin: germline. Affected: yes. Observed: 1 variant allele.

Eurofins Ntd Llc (ga)
Classification: Uncertain significance. Last evaluated: 2017-05-25. Review status: criteria provided, single submitter. Criteria: EGL Classification Definitions 2015. Collection method: clinical testing. Allele origin: germline. Observed: 2 variant alleles, 2 heterozygotes.

PreventionGenetics, part of Exact Sciences
Classification: Likely benign for COL6A1-related condition. Last evaluated: 2020-01-13. Review status: no assertion criteria provided. Collection method: clinical testing. Allele origin: germline. Not counted in ClinVar's aggregate classification.
Comment: This variant is classified as likely benign based on ACMG/AMP sequence variant interpretation guidelines (Richards et al. 2015 PMID: 25741868, with internal and published modifications).

NM_001848.3(COL6A1):c.1959C>T (p.Phe653=)

Gene: COL6A1 (collagen type VI alpha 1 chain; plus strand). Cytogenetic location: 21q22.3.
Variant type: single nucleotide variant.
Coding change: c.1959C>T on transcript NM_001848.3 (MANE Select); coding-DNA position 1959, C replaced by T.
Protein change: p.Phe653=; no amino-acid change (phenylalanine 653 retained).
Molecular consequence: synonymous variant.
Genome position (GRCh38, 1-based): chr21:46,001,963, C>T. VCF-style: chr21-46001963-C-T. GRCh37 (hg19) VCF-style: chr21-47421877-C-T.
Identifiers: ClinVar variation 476423 (VCV000476423.54), dbSNP rs112104768, ClinGen allele CA10070699.